The following is an entry in ClinVar:

NM_003301.7(TRHR):c.1016del (p.Gln339fs)

Gene: TRHR (thyrotropin releasing hormone receptor; plus strand). Cytogenetic location: 8q23.1.
Variant type: Deletion.
Coding change: c.1016del on transcript NM_003301.7 (MANE Select); coding-DNA position 1016, one base deleted (A; older notation c.1016delA).
Protein change: p.Gln339fs; shifts the reading frame from glutamine 339.
Molecular consequence: frameshift variant.
Genome position (GRCh38, 1-based): chr8:109,119,274, A deleted. VCF-style (leftmost placement, unchanged base first): chr8-109119273-CA-C. GRCh37 (hg19) VCF-style: chr8-110131502-CA-C.
Other names: c.1016delA (NM_003301.7); short protein forms Q339fs.
Identifiers: ClinVar variation 4849395 (VCV004849395.1).

ClinVar aggregate classification (germline): Likely pathogenic (1 of 4 stars; one submission).

Conditions:
Hypothyroidism, congenital, nongoitrous, 7 (CHNG7). Also called: Thyrotropin-releasing hormone resistance, generalized; Resistance to thyrotropin-releasing hormone syndrome. Identifiers: Orphanet 99832, MedGen C1861106, MONDO:0032819, OMIM 618573.

Submission:

First Genomix Gene Laboratory, Genetic Diagnostics Department
Classification: Likely pathogenic for Hypothyroidism, congenital, nongoitrous, 7. Last evaluated: 2025-06-20. Review status: criteria provided, single submitter. Criteria: ACMG Guidelines, 2015. Collection method: clinical testing. Allele origin: germline. Inheritance: Autosomal recessive inheritance. Affected: no. Observed: 1 variant allele.